The following is an entry in ClinVar:

NM_014795.4(ZEB2):c.2249G>A (p.Ser750Asn)

Gene: ZEB2 (zinc finger E-box binding homeobox 2; minus strand). Cytogenetic location: 2q22.3.
Variant type: single nucleotide variant.
Coding change: c.2249G>A on transcript NM_014795.4 (MANE Select); coding-DNA position 2249, G replaced by A.
Protein change: p.Ser750Asn; replaces serine 750 with asparagine.
Molecular consequence: missense variant.
Genome position (GRCh38, 1-based): chr2:144,398,938, C>T on the plus strand (G>A on the coding strand, the complement: ZEB2 is on the minus strand). VCF-style: chr2-144398938-C-T. GRCh37 (hg19) VCF-style: chr2-145156505-C-T.
Other names: c.2177G>A, p.Ser726Asn (NM_001171653.2); short protein forms S750N, S726N.
Identifiers: ClinVar variation 2866175 (VCV002866175.3), dbSNP rs2549106082, ClinGen allele CA348708703.

ClinVar aggregate classification (germline): Uncertain significance (1 of 4 stars; one submission).

Conditions:
Mowat-Wilson syndrome (MOWS). Also called: Classic Mowat-Wilson Syndrome. Identifiers: Orphanet 2152, MedGen C1856113, MONDO:0009341, OMIM 235730.

Submission:

Labcorp Genetics (formerly Invitae), Labcorp
Classification: Uncertain significance for Mowat-Wilson syndrome. Last evaluated: 2023-05-20. Review status: criteria provided, single submitter. Criteria: Invitae Variant Classification Sherloc (09022015). Collection method: clinical testing. Allele origin: germline.
Comment: In summary, the available evidence is currently insufficient to determine the role of this variant in disease. Therefore, it has been classified as a Variant of Uncertain Significance. Advanced modeling of protein sequence and biophysical properties (such as structural, functional, and spatial information, amino acid conservation, physicochemical variation, residue mobility, and thermodynamic stability) performed at Invitae indicates that this missense variant is not expected to disrupt ZEB2 protein function. This variant has not been reported in the literature in individuals affected with ZEB2-related conditions. This variant is not present in population databases (gnomAD no frequency). This sequence change replaces serine, which is neutral and polar, with asparagine, which is neutral and polar, at codon 750 of the ZEB2 protein (p.Ser750Asn).